The following is an entry in ClinVar:

NM_004006.3(DMD):c.2645A>T (p.Asp882Val)

Gene: DMD (dystrophin; minus strand). Cytogenetic location: Xp21.1.
Variant type: single nucleotide variant.
Coding change: c.2645A>T on transcript NM_004006.3 (MANE Select); coding-DNA position 2645, A replaced by T.
Protein change: p.Asp882Val; replaces aspartic acid 882 with valine.
Molecular consequence: missense variant.
Genome position (GRCh38, 1-based): chrX:32,485,077, T>A on the plus strand (A>T on the coding strand, the complement: DMD is on the minus strand). VCF-style: chrX-32485077-T-A. GRCh37 (hg19) VCF-style: chrX-32503194-T-A.
Other names: c.2621A>T, p.Asp874Val (NM_000109.4); c.2633G>T, p.Gly878Val (NM_004009.3); c.2276G>T, p.Gly759Val (NM_004010.3); short protein forms D874V, D882V, G759V, G878V.
Identifiers: ClinVar variation 1182162 (VCV001182162.9), dbSNP rs228406, ClinGen allele CA412671092.
Genomic context (GRCh38, chrX:32,485,077, plus strand): 5'-TGTCCTTTCTCTTTCAGGGCTATGCTTTGAATTTTTAATCGTTCAATTTGAGGTTGAAGA[T>A]CTGATAGCCGGTTGACTTCATCCTGTGCCATAGAGTATGGAAAGTAAGTAACACGTTTAC-3'
Protein context (NP_003997.2, residues 872-892): ICKDEVNRLS[Asp882Val]LQPQIERLKI

ClinVar aggregate classification (germline): Uncertain significance. Review status: criteria provided, multiple submitters, no conflicts (2 of 4 stars). 4 submissions from 4 submitters: Uncertain significance (3). 1 of the submissions does not count toward it. Last evaluated 2025-08-11.

Conditions:
Cardiovascular phenotype. Identifiers: MedGen CN230736.
Dystrophin deficiency.
Duchenne muscular dystrophy (DMD). Also called: MUSCULAR DYSTROPHY, PSEUDOHYPERTROPHIC PROGRESSIVE, DUCHENNE TYPE; Duchenne Muscular Dystrophy (DMD). Identifiers: Orphanet 98896, MedGen C0013264, MONDO:0010679, OMIM 310200.
Cardiomyopathy (CMYO). Also called: Cardiomyopathies. Identifiers: Orphanet 167848, MedGen C0878544, MONDO:0004994, HP:0001638. Inheritance: Various modes of inheritance.
Becker muscular dystrophy (BMD). Also called: Becker Muscular Dystrophy (BMD); MUSCULAR DYSTROPHY, PSEUDOHYPERTROPHIC PROGRESSIVE, BECKER TYPE. Identifiers: Orphanet 98895, MedGen C0917713, MONDO:0010311, OMIM 300376.

Allele frequency attached by ClinVar (database versions not stated): gnomAD exomes below 0.00001; gnomAD 0.00001.
gnomAD v4.1: 2 of 1,207,876 alleles (0.00017%); highest among the groups gnomAD compares: African/African-American, 0.0035%; no homozygotes.

Submissions (4):

Labcorp Genetics (formerly Invitae), Labcorp
Classification: Uncertain significance for Duchenne muscular dystrophy. Last evaluated: 2025-08-11. Review status: criteria provided, single submitter. Criteria: Invitae Variant Classification Sherloc (09022015). Collection method: clinical testing. Allele origin: germline.
Comment: This sequence change replaces aspartic acid, which is acidic and polar, with valine, which is neutral and non-polar, at codon 882 of the DMD protein (p.Asp882Val). This variant is not present in population databases (gnomAD no frequency). This variant has not been reported in the literature in individuals affected with DMD-related conditions. ClinVar contains an entry for this variant (Variation ID: 1182162). Experimental studies and prediction algorithms are not available or were not evaluated, and the functional significance of this variant is currently unknown. In summary, the available evidence is currently insufficient to determine the role of this variant in disease. Therefore, it has been classified as a Variant of Uncertain Significance.

Ambry Genetics
Classification: Uncertain significance for Cardiovascular phenotype. Last evaluated: 2019-12-04. Review status: criteria provided, single submitter. Criteria: Ambry Variant Classification Scheme 2023. Collection method: clinical testing. Allele origin: germline.
Comment: The p.G882V variant (also known as c.2645G>T), located in coding exon 21 of the DMD gene, results from a G to T substitution at nucleotide position 2645. The glycine at codon 882 is replaced by valine, an amino acid with dissimilar properties. This amino acid position is poorly conserved in available vertebrate species, and valine is the reference amino acid in other vertebrate species. In addition, this alteration is predicted to be tolerated by SIFT in silico analysis. Since supporting evidence is limited at this time, the clinical significance of this alteration remains unclear.

GeneDx
Classification: Uncertain significance. Last evaluated: 2019-07-11. Review status: criteria provided, single submitter. Criteria: GeneDx Variant Classification Process June 2021. Collection method: clinical testing. Allele origin: germline. Affected: yes.
Comment: Has not been previously published as pathogenic or benign to our knowledge; Not observed in large population cohorts (Lek et al., 2016); In silico analysis, which includes protein predictors and evolutionary conservation, supports that this variant does not alter protein structure/function

Natera, Inc.
Classification: Uncertain significance for Becker muscular dystrophy; Cardiomyopathy; Duchenne muscular dystrophy; Dystrophin deficiency. Last evaluated: 2020-08-02. Review status: no assertion criteria provided. Collection method: clinical testing. Allele origin: germline. Not counted in ClinVar's aggregate classification.